The following is an entry in ClinVar:

ClinVar aggregate classification (germline): Likely benign. Review status: criteria provided, multiple submitters, no conflicts (2 of 4 stars). 2 submissions from 2 submitters: Likely benign (2). Last evaluated 2025-10-07.

Allele frequency attached by ClinVar (database versions not stated): TOPMed 0.00003; gnomAD exomes 0.00004; ExAC 0.00005; gnomAD 0.00005; ESP Exome Variant Server 0.00008.
gnomAD v4.1: 95 of 1,596,484 alleles (0.006%); highest among the groups gnomAD compares: Non-Finnish European, 0.0079%; no homozygotes.

Submissions (2):

Mayo Clinic Laboratories, Mayo Clinic
Classification: Likely benign. Last evaluated: 2025-10-07. Review status: criteria provided, single submitter. Criteria: ACMG Guidelines, 2015. Collection method: clinical testing. Allele origin: germline. Observed: 1 variant allele.
Comment: BP4, BP7

Labcorp Genetics (formerly Invitae), Labcorp
Classification: Likely benign. Last evaluated: 2025-09-07. Review status: criteria provided, single submitter. Criteria: Invitae Variant Classification Sherloc (09022015). Collection method: clinical testing. Allele origin: germline.

NM_001013838.3(CARMIL2):c.1509+10G>A

Gene: CARMIL2 (capping protein regulator and myosin 1 linker 2; plus strand). Cytogenetic location: 16q22.1.
Variant type: single nucleotide variant.
Coding change: c.1509+10G>A on transcript NM_001013838.3 (MANE Select); 10 bases into the intron after coding-DNA position 1509, G replaced by A.
Molecular consequence: intron variant.
Genome position (GRCh38, 1-based): chr16:67,648,764, G>A. VCF-style: chr16-67648764-G-A. GRCh37 (hg19) VCF-style: chr16-67682667-G-A.
Other names: p.?; c.1401+10G>A (NM_001317026.3).
Identifiers: ClinVar variation 1547849 (VCV001547849.9), dbSNP rs367691282, ClinGen allele CA8113447.